The following is an entry in ClinVar:

NM_031220.4(PITPNM3):c.1849C>T (p.Arg617Trp)

Gene: PITPNM3 (PITPNM family member 3; minus strand). Cytogenetic location: 17p13.2.
Variant type: single nucleotide variant.
Coding change: c.1849C>T on transcript NM_031220.4 (MANE Select); coding-DNA position 1849, C replaced by T.
Protein change: p.Arg617Trp; replaces arginine 617 with tryptophan.
Molecular consequence: missense variant.
Genome position (GRCh38, 1-based): chr17:6,468,266, G>A on the plus strand (C>T on the coding strand, the complement: PITPNM3 is on the minus strand). VCF-style: chr17-6468266-G-A. GRCh37 (hg19) VCF-style: chr17-6371586-G-A.
Other names: c.1741C>T, p.Arg581Trp (NM_001165966.2); short protein forms R617W, R581W.
Identifiers: ClinVar variation 2804042 (VCV002804042.4), dbSNP rs781006872, ClinGen allele CA8329365.
Genomic context (GRCh38, chr17:6,468,266, plus strand): 5'-GAACTGAGCATGCACGCACCCTCAGCTTGACCTGAGTCCGCTTACGAAGCCACTTCTCCC[G>A]GGGGTTGGCAGGACTCAGTGCTGCAGGGTCCAGGCGGGCGCTTTCCTTGATGTTCACGCT-3'
Protein context (NP_112497.2, residues 607-627): DPAALSPANP[Arg617Trp]EKWLRKRTQV

ClinVar aggregate classification (germline): Uncertain significance. Review status: criteria provided, multiple submitters, no conflicts (2 of 4 stars). 2 submissions from 2 submitters: Uncertain significance (2). Last evaluated 2022-12-20.

Allele frequency attached by ClinVar (database versions not stated): TOPMed below 0.00001; ExAC 0.00001; gnomAD 0.00001; gnomAD exomes 0.00001.
gnomAD v4.1: 15 of 1,613,712 alleles (0.00093%); highest among the groups gnomAD compares: Non-Finnish European, 0.0012%; no homozygotes.

Submissions (2):

Labcorp Genetics (formerly Invitae), Labcorp
Classification: Uncertain significance. Last evaluated: 2022-12-20. Review status: criteria provided, single submitter. Criteria: Invitae Variant Classification Sherloc (09022015). Collection method: clinical testing. Allele origin: germline.
Comment: In summary, the available evidence is currently insufficient to determine the role of this variant in disease. Therefore, it has been classified as a Variant of Uncertain Significance. Advanced modeling of protein sequence and biophysical properties (such as structural, functional, and spatial information, amino acid conservation, physicochemical variation, residue mobility, and thermodynamic stability) has been performed at Invitae for this missense variant, however the output from this modeling did not meet the statistical confidence thresholds required to predict the impact of this variant on PITPNM3 protein function. This variant has not been reported in the literature in individuals affected with PITPNM3-related conditions. This variant is present in population databases (rs781006872, gnomAD 0.004%). This sequence change replaces arginine, which is basic and polar, with tryptophan, which is neutral and slightly polar, at codon 617 of the PITPNM3 protein (p.Arg617Trp).

Blueprint Genetics
Classification: Uncertain significance. Last evaluated: 2018-09-29. Review status: criteria provided, single submitter. Criteria: ACMG Guidelines, 2015. Collection method: clinical testing. Allele origin: germline.